The following is an entry in ClinVar:

ClinVar aggregate classification (germline): Pathogenic/Likely pathogenic. Review status: criteria provided, multiple submitters, no conflicts (2 of 4 stars). 4 submissions from 4 submitters: Pathogenic (3); Likely pathogenic (1). Last evaluated 2025-12-09.

Conditions:
Pelizaeus-Merzbacher disease. Also called: LEUKODYSTROPHY, HYPOMYELINATING, 1; Pelizeaus-Merzbacher spectrum disorder; Sudanophilic leukodystrophy; Pelizaeus-Merzbacher spectrum disorder; Pelizaeus-Merzbacher Disease (PMD). Identifiers: Orphanet 702, MedGen C0205711, MONDO:0010714, OMIM 312080, HP:0003269.
Hereditary spastic paraplegia 2 (SPG2). Also called: SPASTIC PARAPLEGIA 2, X-LINKED; Spastic Paraplegia 2 (SPG2). Identifiers: Orphanet 99015, MedGen C0751604, MONDO:0010733, OMIM 312920.

Submissions (4):

Women's Health and Genetics/Laboratory Corporation of America, LabCorp
Classification: Pathogenic for Pelizaeus-Merzbacher disease. Last evaluated: 2025-12-09. Review status: criteria provided, single submitter. Criteria: LabCorp Variant Classification Summary - May 2015. Collection method: clinical testing. Allele origin: germline.
Comment: Variant summary: PLP1 c.453G>A (p.Lys151Lys), also described as G450A in PMID 12601703, alters a conserved nucleotide located close to a canonical splice site and therefore could affect mRNA splicing, leading to a significantly altered protein sequence. Several computational tools predict a significant impact on normal splicing: Four predict the variant abolishes the canonical 5' splicing donor site. At least one publication reports experimental evidence that this variant affects mRNA splicing and results in an aberrant transcript encoding a PLP1 with an in-frame 14-amino acid deletion (Hobson_2006). The variant was absent in 182984 control chromosomes. c.453G>A has been observed in several individuals affected with Pelizaeus-Merzbacher disease or other PLP1-related conditions (example, Shy_2003, Hobson_2006, internal data). Further, two different variants affecting this nucleotide (c.453G>T, c.453G>C) have been reported in PLP1-related conditions (Shy_2003, Hobson_2006). These data indicate that the variant may be associated with disease. ClinVar contains an entry for this variant (Variation ID: 290425). The following publications have been ascertained in the context of this evaluation (PMID: 16287154, 12601703). Based on the evidence outlined above, the variant was classified as pathogenic.

Molecular Diagnostics Lab, Nemours Children's Health, Delaware
Classification: Likely pathogenic for Pelizaeus-Merzbacher disease. Last evaluated: 2021-12-10. Review status: criteria provided, single submitter. Criteria: ACMG Guidelines, 2015. Collection method: clinical testing. Allele origin: unknown. Inheritance: X-linked inheritance. Affected: yes. Observed: 1 hemizygote.
Comment: This variant (c.453G>A, p.Lys151=) is the last nucleotide af exon 3 and predicts a synonymous change. It has not been observed in population databases (gnomAD). It has been described in the literature, and functional studies indicate a deleterious effect on protein expression (PMID 16287154, PMID 30195779).

Labcorp Genetics (formerly Invitae), Labcorp
Classification: Pathogenic for Hereditary spastic paraplegia 2. Last evaluated: 2018-04-13. Review status: criteria provided, single submitter. Criteria: Invitae Variant Classification Sherloc (09022015). Collection method: clinical testing. Allele origin: germline.
Comment: Two different variants affecting this nucleotide (c.453G>T, c.453G>C) have been determined to be pathogenic (PMID: 7531827, 12601703, 16287154, 28366443). This suggests that this nucleotide is important for normal RNA splicing, and that other variants at this position may also be pathogenic. For these reasons, this variant has been classified as Pathogenic. This sequence change affects codon 151 of the PLP1 mRNA. It is a 'silent' change, meaning that it does not change the encoded amino acid sequence of the PLP1 protein. This variant also falls at the last nucleotide of exon 3 of the PLP1 coding sequence, which is part of the consensus splice site for this exon. This variant is not present in population databases (ExAC no frequency). This variant has been reported in individuals affected with Pelizaeus-Merzbacher disease (PMD) (PMID: 12601703, 16287154). This variant is also known as G450A in the literature. ClinVar contains an entry for this variant (Variation ID: 290425). Nucleotide substitutions within the consensus splice site are a relatively common cause of aberrant splicing (PMID: 17576681, 9536098). Experimental studies have shown that this variant results in an aberrant transcript encoding a PLP1 with an in-frame 14-amino acid deletion within the PLP1-specific domain (PMID: 16287154).

Eurofins Ntd Llc (ga)
Classification: Pathogenic. Last evaluated: 2016-09-06. Review status: criteria provided, single submitter. Criteria: EGL Classification Definitions 2015. Collection method: clinical testing. Allele origin: germline. Observed: 1 variant allele, 1 heterozygote.

Literature cited by the submitters: PubMed 16287154 (cited by 4 submitters); PubMed 12601703 (cited by Women's Health and Genetics/Laboratory Corporation of America, LabCorp and Labcorp Genetics (formerly Invitae), Labcorp); PubMed 30195779 (cited by Molecular Diagnostics Lab, Nemours Children's Health, Delaware); PubMed 7531827 (cited by Labcorp Genetics (formerly Invitae), Labcorp); PubMed 28366443 (cited by Labcorp Genetics (formerly Invitae), Labcorp); PubMed 17576681 (cited by Labcorp Genetics (formerly Invitae), Labcorp); PubMed 9536098 (cited by Labcorp Genetics (formerly Invitae), Labcorp).

NM_000533.5(PLP1):c.453G>A (p.Lys151=)

Genes: PLP1 (proteolipid protein 1; plus strand), RAB9B (RAB9B, member RAS oncogene family; minus strand). Cytogenetic location: Xq22.2.
Variant type: single nucleotide variant.
Coding change: c.453G>A on transcript NM_000533.5 (MANE Select); coding-DNA position 453, G replaced by A.
Protein change: p.Lys151=; no amino-acid change (lysine 151 retained).
Molecular consequence: synonymous variant. On other transcripts: intron variant (1).
Genome position (GRCh38, 1-based): chrX:103,786,726, G>A. VCF-style: chrX-103786726-G-A. GRCh37 (hg19) VCF-style: chrX-103041655-G-A.
Other names: c.453G>A, p.Lys151= (NM_001128834.3); c.288G>A, p.Lys96= (NM_001305004.1); c.348+105G>A (NM_199478.3).
Identifiers: ClinVar variation 290425 (VCV000290425.14), dbSNP rs886044450, ClinGen allele CA10606773.